The following is an entry in ClinVar:

ClinVar aggregate classification (germline): Benign/Likely benign. Review status: criteria provided, multiple submitters, no conflicts (2 of 4 stars). 4 submissions from 4 submitters: Benign (2); Likely benign (1). 1 of the submissions does not count toward it. Last evaluated 2026-01-11.

Conditions:
FPR1-related disorder. Also called: FPR1-related condition.
Gingival disorder. Also called: Gingival disease. Identifiers: MedGen C0017563, MONDO:0002021.

Allele frequency attached by ClinVar (database versions not stated): gnomAD exomes 0.00024 and 0.00067; ExAC 0.00079; ESP Exome Variant Server 0.00238; gnomAD 0.00259 and 0.00271; TOPMed 0.00294; 1000 Genomes Project 0.00359; 1000 Genomes Project 30x 0.00375.

Submissions (4):

Labcorp Genetics (formerly Invitae), Labcorp
Classification: Benign for Gingival disorder. Last evaluated: 2026-01-11. Review status: criteria provided, single submitter. Criteria: Invitae Variant Classification Sherloc (09022015). Collection method: clinical testing. Allele origin: germline.

Blueprint Genetics
Classification: Likely benign. Last evaluated: 2024-11-13. Review status: criteria provided, single submitter. Criteria: ACMG Guidelines, 2015. Collection method: clinical testing. Allele origin: germline.

Breakthrough Genomics
Classification: Benign. Review status: criteria provided, single submitter. Criteria: ACMG Guidelines, 2015. Collection method: not provided. Allele origin: germline. Inheritance: Unknown mechanism. Affected: yes.

PreventionGenetics, part of Exact Sciences
Classification: Benign for FPR1-related condition. Last evaluated: 2024-03-12. Review status: no assertion criteria provided. Collection method: clinical testing. Allele origin: germline. Not counted in ClinVar's aggregate classification.
Comment: This variant is classified as benign based on ACMG/AMP sequence variant interpretation guidelines (Richards et al. 2015 PMID: 25741868, with internal and published modifications).

NM_002029.4(FPR1):c.645C>T (p.Ser215=)

Gene: FPR1 (formyl peptide receptor 1; minus strand). Cytogenetic location: 19q13.41.
Variant type: single nucleotide variant.
Coding change: c.645C>T on transcript NM_002029.4 (MANE Select); coding-DNA position 645, C replaced by T.
Protein change: p.Ser215=; no amino-acid change (serine 215 retained).
Molecular consequence: synonymous variant.
Genome position (GRCh38, 1-based): chr19:51,746,350, G>A on the plus strand (C>T on the coding strand, the complement: FPR1 is on the minus strand). VCF-style: chr19-51746350-G-A. GRCh37 (hg19) VCF-style: chr19-52249603-G-A.
Other names: c.645C>T, p.Ser215= (NM_001193306.2).
Identifiers: ClinVar variation 526512 (VCV000526512.17), dbSNP rs35264765, ClinGen allele CA9616410.